The following is an entry in ClinVar:

ClinVar aggregate classification (germline): Conflicting classifications of pathogenicity. Review status: criteria provided, conflicting classifications (1 of 4 stars). 5 submissions from 5 submitters: Uncertain significance (3); Likely benign (1). 1 of the submissions does not count toward it. Last evaluated 2025-12-28.

Conditions:
DSTYK-related disorder. Also called: DSTYK-related condition.

Allele frequency attached by ClinVar (database versions not stated): gnomAD exomes 0.00007; 1000 Genomes Project 0.00020; ExAC 0.00032; ESP Exome Variant Server 0.00046; 1000 Genomes Project 30x 0.00047; gnomAD 0.00055.
gnomAD v4.1: 187 of 1,611,016 alleles (0.012%); highest among the groups gnomAD compares: African/African-American, 0.2%; 1 homozygote.

Submissions (5):

Labcorp Genetics (formerly Invitae), Labcorp
Classification: Likely benign. Last evaluated: 2025-12-28. Review status: criteria provided, single submitter. Criteria: Invitae Variant Classification Sherloc (09022015). Collection method: clinical testing. Allele origin: germline.

GeneDx
Classification: Uncertain significance. Last evaluated: 2025-06-09. Review status: criteria provided, single submitter. Criteria: GeneDx Variant Classification Process June 2021. Collection method: clinical testing. Allele origin: germline. Affected: yes.
Comment: In silico analysis suggests that this missense variant does not alter protein structure/function; Has not been previously published as pathogenic or benign to our knowledge

Ambry Genetics
Classification: Uncertain significance. Last evaluated: 2024-04-15. Review status: criteria provided, single submitter. Criteria: Ambry Variant Classification Scheme 2023. Collection method: clinical testing. Allele origin: germline.

Blueprint Genetics
Classification: Uncertain significance. Last evaluated: 2023-10-04. Review status: criteria provided, single submitter. Criteria: ACMG Guidelines, 2015. Collection method: clinical testing. Allele origin: germline.

PreventionGenetics, part of Exact Sciences
Classification: Likely benign for DSTYK-related condition. Last evaluated: 2022-03-02. Review status: no assertion criteria provided. Collection method: clinical testing. Allele origin: germline. Not counted in ClinVar's aggregate classification.
Comment: This variant is classified as likely benign based on ACMG/AMP sequence variant interpretation guidelines (Richards et al. 2015 PMID: 25741868, with internal and published modifications).

NM_015375.3(DSTYK):c.211G>A (p.Gly71Ser)

Gene: DSTYK (dual serine/threonine and tyrosine protein kinase; minus strand). Cytogenetic location: 1q32.1.
Variant type: single nucleotide variant.
Coding change: c.211G>A on transcript NM_015375.3 (MANE Select); coding-DNA position 211, G replaced by A.
Protein change: p.Gly71Ser; replaces glycine 71 with serine.
Molecular consequence: missense variant.
Genome position (GRCh38, 1-based): chr1:205,211,325, C>T on the plus strand (G>A on the coding strand, the complement: DSTYK is on the minus strand). VCF-style: chr1-205211325-C-T. GRCh37 (hg19) VCF-style: chr1-205180453-C-T.
Other names: c.211G>A, p.Gly71Ser (NM_199462.3); c.211G>A (NM_015375.2); short protein forms G71S.
Identifiers: ClinVar variation 2067640 (VCV002067640.9), dbSNP rs113488459, ClinGen allele CA1353096.